The following is an entry in ClinVar:

NM_000587.4(C7):c.796A>T (p.Asn266Tyr)

Gene: C7 (complement C7; plus strand). Cytogenetic location: 5p13.1.
Variant type: single nucleotide variant.
Coding change: c.796A>T on transcript NM_000587.4 (MANE Select); coding-DNA position 796, A replaced by T.
Protein change: p.Asn266Tyr; replaces asparagine 266 with tyrosine.
Molecular consequence: missense variant.
Genome position (GRCh38, 1-based): chr5:40,947,659, A>T. VCF-style: chr5-40947659-A-T. GRCh37 (hg19) VCF-style: chr5-40947761-A-T.
Other names: short protein forms N266Y.
Identifiers: ClinVar variation 1514346 (VCV001514346.5), dbSNP rs903968294, ClinGen allele CA117213762.

ClinVar aggregate classification (germline): Uncertain significance (1 of 4 stars; one submission).

Allele frequency attached by ClinVar (database versions not stated): gnomAD exomes below 0.00001 and 0.00001.
gnomAD v4.1: 16 of 1,613,610 alleles (0.00099%); highest among the groups gnomAD compares: Non-Finnish European, 0.0014%; no homozygotes.

Submission:

Labcorp Genetics (formerly Invitae), Labcorp
Classification: Uncertain significance. Last evaluated: 2022-03-03. Review status: criteria provided, single submitter. Criteria: Invitae Variant Classification Sherloc (09022015). Collection method: clinical testing. Allele origin: germline.
Comment: This sequence change replaces asparagine, which is neutral and polar, with tyrosine, which is neutral and polar, at codon 266 of the C7 protein (p.Asn266Tyr). This variant is not present in population databases (gnomAD no frequency). This variant has not been reported in the literature in individuals affected with C7-related conditions. Algorithms developed to predict the effect of missense changes on protein structure and function are either unavailable or do not agree on the potential impact of this missense change (SIFT: "Deleterious"; PolyPhen-2: "Possibly Damaging"; Align-GVGD: "Class C0"). In summary, the available evidence is currently insufficient to determine the role of this variant in disease. Therefore, it has been classified as a Variant of Uncertain Significance.